The following is an entry in ClinVar:

NM_138691.3(TMC1):c.1670G>A (p.Trp557Ter)

Gene: TMC1 (transmembrane channel like 1; plus strand). Cytogenetic location: 9q21.13.
Variant type: single nucleotide variant.
Coding change: c.1670G>A on transcript NM_138691.3 (MANE Select); coding-DNA position 1670, G replaced by A.
Protein change: p.Trp557Ter; replaces tryptophan 557 with a stop codon.
Molecular consequence: nonsense.
Genome position (GRCh38, 1-based): chr9:72,805,485, G>A. VCF-style: chr9-72805485-G-A. GRCh37 (hg19) VCF-style: chr9-75420401-G-A.
Other names: short protein forms W557*.
Identifiers: ClinVar variation 4779649 (VCV004779649.1).

ClinVar aggregate classification (germline): Pathogenic (1 of 4 stars; one submission).

Submission:

Labcorp Genetics (formerly Invitae), Labcorp
Classification: Pathogenic. Last evaluated: 2025-11-07. Review status: criteria provided, single submitter. Criteria: Invitae Variant Classification Sherloc (09022015). Collection method: clinical testing. Allele origin: germline.
Comment: This sequence change creates a premature translational stop signal (p.Trp557*) in the TMC1 gene. It is expected to result in an absent or disrupted protein product. Loss-of-function variants in TMC1 are known to be pathogenic (PMID: 11850618, 22105175). This variant is not present in population databases (gnomAD no frequency). This variant has not been reported in the literature in individuals affected with TMC1-related conditions. Algorithms developed to predict the effect of sequence changes on RNA splicing suggest that this variant may disrupt the consensus splice site. For these reasons, this variant has been classified as Pathogenic.

Literature cited by the submitters: PubMed 11850618; PubMed 22105175.